The following is an entry in ClinVar:

ClinVar aggregate classification (germline): Uncertain significance. Review status: criteria provided, multiple submitters, no conflicts (2 of 4 stars). 3 submissions from 2 submitters: Uncertain significance (3). Last evaluated 2021-08-25.

Conditions:
Lethal Kniest-like syndrome (DDSH). Also called: Dyssegmental Dysplasia. Identifiers: Orphanet 1865, MedGen C1857100, MONDO:0009140, OMIM 224410.
Schwartz-Jampel syndrome. Also called: Myotonic myopathy dwarfism chondrodystrophy and ocular and facial abnormalities. Identifiers: Orphanet 800, MedGen C0036391, MONDO:0009717.

Allele frequency attached by ClinVar (database versions not stated): gnomAD 0.00004 and 0.00005; TOPMed 0.00004; gnomAD exomes 0.00006; 1000 Genomes Project 30x 0.00016; 1000 Genomes Project 0.00020; ExAC 0.00022.
gnomAD v4.1: 88 of 1,541,508 alleles (0.0057%); highest among the groups gnomAD compares: Middle Eastern, 0.02%; no homozygotes.

Submissions (3):

GeneDx
Classification: Uncertain significance. Last evaluated: 2021-08-25. Review status: criteria provided, single submitter. Criteria: GeneDx Variant Classification Process June 2021. Collection method: clinical testing. Allele origin: germline. Affected: yes.
Comment: In silico analysis supports that this missense variant has a deleterious effect on protein structure/function; Has not been previously published as pathogenic or benign to our knowledge

Illumina Laboratory Services, Illumina
Classification: Uncertain significance for Lethal Kniest-like syndrome. Last evaluated: 2018-01-12. Review status: criteria provided, single submitter. Criteria: ICSL Variant Classification Criteria 13 December 2019. Collection method: clinical testing. Allele origin: germline.

Illumina Laboratory Services, Illumina
Classification: Uncertain significance for Schwartz-Jampel syndrome type 1. Last evaluated: 2018-01-12. Review status: criteria provided, single submitter. Criteria: ICSL Variant Classification Criteria 13 December 2019. Collection method: clinical testing. Allele origin: germline.

NM_005529.7(HSPG2):c.12007C>T (p.Arg4003Trp)

Gene: HSPG2 (heparan sulfate proteoglycan 2; minus strand). Cytogenetic location: 1p36.12.
Variant type: single nucleotide variant.
Coding change: c.12007C>T on transcript NM_005529.7 (MANE Select); coding-DNA position 12007, C replaced by T.
Protein change: p.Arg4003Trp; replaces arginine 4003 with tryptophan.
Molecular consequence: missense variant.
Genome position (GRCh38, 1-based): chr1:21,829,065, G>A on the plus strand (C>T on the coding strand, the complement: HSPG2 is on the minus strand). VCF-style: chr1-21829065-G-A. GRCh37 (hg19) VCF-style: chr1-22155558-G-A.
Other names: c.12010C>T, p.Arg4004Trp (NM_001291860.2); short protein forms R4003W, R4004W.
Identifiers: ClinVar variation 295710 (VCV000295710.7), dbSNP rs529517544, ClinGen allele CA669544.